The following is an entry in ClinVar:

ClinVar aggregate classification (germline): Benign/Likely benign. Review status: criteria provided, multiple submitters, no conflicts (2 of 4 stars). 2 submissions from 2 submitters: Benign (1); Likely benign (1). Last evaluated 2026-06-11.

Conditions:
MYH6-related disorder. Also called: MYH6-Related Disorders; MYH6-related condition.

gnomAD v4.1: 28 of 1,614,184 alleles (0.0017%); highest among the groups gnomAD compares: African/African-American, 0.035%; no homozygotes.

Submissions (2):

PreventionGenetics, part of Exact Sciences
Classification: Likely benign for MYH6-related condition. Last evaluated: 2026-06-11. Review status: criteria provided, single submitter. Criteria: ACMG Guidelines, 2015. Collection method: clinical testing. Allele origin: germline.
Comment: This variant is classified as likely benign based on ACMG/AMP sequence variant interpretation guidelines (Richards et al. 2015 PMID: 25741868, with internal and published modifications).

Women's Health and Genetics/Laboratory Corporation of America, LabCorp
Classification: Benign. Last evaluated: 2025-11-12. Review status: criteria provided, single submitter. Criteria: LabCorp Variant Classification Summary - May 2015. Collection method: clinical testing. Allele origin: germline.

NM_002471.4(MYH6):c.*5G>T

Gene: MYH6 (myosin heavy chain 6; minus strand). Cytogenetic location: 14q11.2.
Variant type: single nucleotide variant.
Coding change: c.*5G>T on transcript NM_002471.4 (MANE Select); 5 bases downstream of the stop codon, G replaced by T.
Molecular consequence: 3 prime UTR variant.
Genome position (GRCh38, 1-based): chr14:23,382,035, C>A on the plus strand (G>T on the coding strand, the complement: MYH6 is on the minus strand). VCF-style: chr14-23382035-C-A. GRCh37 (hg19) VCF-style: chr14-23851244-C-A.
Identifiers: ClinVar variation 4536812 (VCV004536812.2).